The following is an entry in ClinVar:

NM_001370259.2(MEN1):c.1461dup (p.Lys488fs)

Gene: MEN1 (menin 1; minus strand). Cytogenetic location: 11q13.1.
Variant type: Duplication.
Coding change: c.1461dup on transcript NM_001370259.2 (MANE Select); coding-DNA position 1461, one base duplicated (C; older notation c.1461dupC).
Protein change: p.Lys488fs; shifts the reading frame from lysine 488.
Molecular consequence: frameshift variant. On other transcripts: non-coding transcript variant (4).
Genome position (GRCh38, 1-based): chr11:64,804,706, G duplicated on the plus strand (C on the coding strand, the reverse complement: MEN1 is on the minus strand); the first of 2 consecutive G bases (chr11:64,804,706-64,804,707); duplicating either gives the same sequence. VCF-style (leftmost placement, unchanged base first): chr11-64804705-T-TG. GRCh37 (hg19) VCF-style: chr11-64572177-T-TG.
Other names: c.1476dup, p.Lys493fs (NM_000244.4, NM_001407145.1, NM_130800.3 and 4 more transcripts); c.1587dup, p.Lys530fs (NM_001370251.2, NM_001407142.1, NM_001407143.1 and 1 more transcripts); c.1461dup, p.Lys488fs (NM_001370260.2, NM_001370261.2, NM_001407146.1 and 2 more transcripts); c.1356dup, p.Lys453fs (NM_001370262.2, NM_001370263.2, NM_001407148.1 and 1 more transcripts); c.1602dup, p.Lys535fs (NM_001407150.1); c.1482dup, p.Lys495fs (NM_001407151.1); c.1296dup, p.Lys433fs (NM_001407152.1); c.1461dupC (NM_130799.2); short protein forms K495fs, K535fs, K493fs, K530fs, K488fs, K433fs, K453fs.
Identifiers: ClinVar variation 2564981 (VCV002564981.2), dbSNP rs2497123058, ClinGen allele CA2580615716.
Genomic context (GRCh38, chr11:64,804,705, plus strand): 5'-GGCCGGTGCCCAGGCCCTTGTCCAGTGCTGGCTTCTTGGGCGGCGGGGGCTCCTCTGGCT[T>TG]GGACTCCCGCCGTGGGCCCCGCCGCCGGCCTTCCCGGGCTTCCTCGCCCCACGGCTCCTC-3'

ClinVar aggregate classification (germline): Pathogenic (1 of 4 stars; one submission).

Conditions:
Hereditary cancer-predisposing syndrome. Also called: Neoplastic Syndromes, Hereditary; Hereditary Cancer Syndrome; Hereditary neoplastic syndrome; Tumor predisposition. Identifiers: Orphanet 140162, MedGen C0027672, MeSH D009386, MONDO:0015356.

Submission:

Ambry Genetics
Classification: Pathogenic for Hereditary cancer-predisposing syndrome. Last evaluated: 2023-05-18. Review status: criteria provided, single submitter. Criteria: Ambry Variant Classification Scheme 2023. Collection method: clinical testing. Allele origin: germline.
Comment: The c.1461dupC pathogenic mutation, located in coding exon 9 of the MEN1 gene, results from a duplication of C at nucleotide position 1461, causing a translational frameshift with a predicted alternate stop codon (p.K488Qfs*43). This alteration occurs at the 3' terminus of theMEN1 gene, is not expected to trigger nonsense-mediated mRNA decay, and only impacts the last 123 amino acids of the protein. However, premature stop codons are typically deleterious in nature, a significant portion of the protein is affected, and the impacted region is critical for protein function (Ambry internal data). This variant is considered to be rare based on population cohorts in the Genome Aggregation Database (gnomAD). Based on the supporting evidence, this alteration is interpreted as a disease-causing mutation.